The following is an entry in ClinVar:

NM_130837.3(OPA1):c.2990_2993del (p.Val997fs)

Gene: OPA1 (OPA1 mitochondrial dynamin like GTPase; plus strand). Cytogenetic location: 3q29.
Variant type: Deletion.
Coding change: c.2990_2993del on transcript NM_130837.3 (MANE Select); coding-DNA positions 2990 to 2993, 4 bases deleted (TTAG; older notation c.2990_2993delTTAG).
Protein change: p.Val997fs; shifts the reading frame from valine 997.
Molecular consequence: frameshift variant.
Genome position (GRCh38, 1-based): chr3:193,692,069-193,692,072, TTAG deleted; deleting any 4 consecutive bases within chr3:193,692,067-193,692,072 gives the same sequence; the c. name uses the placement nearest the transcript's 3' end. VCF-style (leftmost placement, unchanged base first): chr3-193692066-AAGTT-A. GRCh37 (hg19) VCF-style: chr3-193409855-AAGTT-A.
Other names: c.2456_2459del, p.Val819fs (NM_001354663.2); c.2453_2456del, p.Val818fs (NM_001354664.2); c.2825_2828del, p.Val942fs (NM_015560.3); c.2717_2720del, p.Val906fs (NM_130831.3); c.2771_2774del, p.Val924fs (NM_130832.3); c.2828_2831del, p.Val943fs (NM_130833.3); c.2879_2882del, p.Val960fs (NM_130834.3); c.2882_2885del, p.Val961fs (NM_130835.3); and 3 more; short protein forms V818fs, V906fs, V961fs, V924fs, V960fs, V979fs, V997fs, V943fs.
Identifiers: ClinVar variation 5083 (VCV000005083.53), dbSNP rs879255560, ClinGen allele CA10575490.

ClinVar aggregate classification (germline): Pathogenic/Likely pathogenic. Review status: criteria provided, multiple submitters, no conflicts (2 of 4 stars). 11 submissions from 11 submitters: Pathogenic (8); Likely pathogenic (1). 2 of the submissions do not count toward it. Last evaluated 2026-01-06.

Conditions:
OPA1-related disorder. Also called: OPA1-related disorders; OPA1-related condition.
Autosomal dominant optic atrophy classic form (OPA1). Also called: KJER-TYPE OPTIC ATROPHY; OPTIC ATROPHY, JUVENILE; Optic Atrophy Type 1. Identifiers: Orphanet 98673, MedGen C0338508, MONDO:0008134, OMIM 165500.
Optic atrophy. Identifiers: MedGen C0029124, MONDO:0003608, HP:0000648.

Submissions (11):

PreventionGenetics, part of Exact Sciences
Classification: Pathogenic for OPA1-related condition. Last evaluated: 2026-01-06. Review status: criteria provided, single submitter. Criteria: ACMG Guidelines, 2015. Collection method: clinical testing. Allele origin: germline.
Comment: The OPA1 c.2990_2993delTTAG variant is predicted to result in a frameshift and premature protein termination (p.Val997Glufs*25). This variant can also be denoted as c.2825_2828del (p.Val942Glufs*25) using transcript NM_015560. This variant has been reported in the heterozygous state in multiple individuals with optic atrophy (Delettre et al. 2000. PubMed ID: 11017079; Gaier et al. 2017. PubMed ID: 28848318; Weisschuh et al. 2021. PubMed ID: 34242285; Table S1, Lin et al. 2024. PubMed ID: 38219857). This variant is absent in a large population database (gnomAD), indicating this variant is rare. Frameshift variants in OPA1 are an established mechanism of disease. Given the evidence, we interpret this variant as pathogenic for autosomal dominant disease.

Labcorp Genetics (formerly Invitae), Labcorp
Classification: Pathogenic. Last evaluated: 2025-03-17. Review status: criteria provided, single submitter. Criteria: Invitae Variant Classification Sherloc (09022015). Collection method: clinical testing. Allele origin: germline.
Comment: This sequence change results in a frameshift in the OPA1 gene (p.Val942Glufs*25). While this is not anticipated to result in nonsense mediated decay, it is expected to disrupt the last 19 amino acid(s) of the OPA1 protein and extend the protein by 5 additional amino acid residues. This variant is not present in population databases (gnomAD no frequency). This frameshift has been observed in individual(s) with dominant optic atrophy (PMID: 11017079). It has also been observed to segregate with disease in related individuals. This variant is also known as c.2823delAGTT or c.2823del4. ClinVar contains an entry for this variant (Variation ID: 5083). For these reasons, this variant has been classified as Pathogenic.

3billion
Classification: Pathogenic for Autosomal dominant optic atrophy classic form. Last evaluated: 2024-06-05. Review status: criteria provided, single submitter. Criteria: ACMG Guidelines, 2015. Collection method: clinical testing. Allele origin: germline. Affected: yes.
Comment: The variant is observed at an extremely low frequency in the gnomAD v4.0.0 dataset (total allele frequency: <0.001%). Predicted Consequence/Location: Frameshift: predicted to result in a loss or disruption of normal protein function through nonsense-mediated decay (NMD) or protein truncation. Multiple pathogenic variants are reported downstream of the variant. The variant has been reported at least twice as pathogenic with clinical assertions and evidence for the classification (ClinVar ID: VCV000005083 /PMID: 11017079). Therefore, this variant is classified as Pathogenic according to the recommendation of ACMG/AMP guideline.

GeneDx
Classification: Pathogenic. Last evaluated: 2023-05-30. Review status: criteria provided, single submitter. Criteria: GeneDx Variant Classification Process June 2021. Collection method: clinical testing. Allele origin: germline. Affected: yes.
Comment: Frameshift variant predicted to result in protein truncation, as the last 19 amino acids are replaced with 24 different amino acids, and other loss-of-function variants have been reported downstream in HGMD; Not observed in large population cohorts (gnomAD); This variant is associated with the following publications: (PMID: 17415700, 11017079, 28848318, 34242285, 25794858)

Blueprint Genetics
Classification: Pathogenic for OPA1-related disorders. Last evaluated: 2022-07-12. Review status: criteria provided, single submitter. Criteria: ACMG Guidelines, 2015. Collection method: clinical testing. Allele origin: germline. Affected: yes. Observed: 2 variant alleles.

CeGaT Center for Human Genetics Tuebingen
Classification: Likely pathogenic. Last evaluated: 2021-11-01. Review status: criteria provided, single submitter. Criteria: CeGaT Center For Human Genetics Tuebingen Variant Classification Criteria Version 2. Collection method: clinical testing. Allele origin: germline. Affected: yes. Observed: 1 variant allele.

Institute of Medical Genetics and Applied Genomics, University Hospital Tübingen
Classification: Pathogenic. Last evaluated: 2021-06-17. Review status: criteria provided, single submitter. Criteria: ACMG Guidelines, 2015. Collection method: clinical testing. Allele origin: germline. Inheritance: Autosomal dominant inheritance. Affected: yes.

Athena Diagnostics
Classification: Pathogenic. Last evaluated: 2018-03-07. Review status: criteria provided, single submitter. Criteria: Athena Diagnostics Criteria. Collection method: clinical testing. Allele origin: germline.

Eurofins Ntd Llc (ga)
Classification: Pathogenic. Last evaluated: 2016-12-20. Review status: criteria provided, single submitter. Criteria: EGL Classification Definitions 2015. Collection method: clinical testing. Allele origin: germline. Observed: 3 variant alleles, 3 heterozygotes.

Institute of Human Genetics, Univ. Regensburg, Univ. Regensburg
Classification: Pathogenic for Optic atrophy. Last evaluated: 2021-01-01. Review status: no assertion criteria provided. Criteria: ACMG Guidelines, 2015. Collection method: clinical testing. Allele origin: germline. Affected: yes. Not counted in ClinVar's aggregate classification.

OMIM
Classification: Pathogenic for OPTIC ATROPHY 1. Last evaluated: 2000-10-01. Review status: no assertion criteria provided. Collection method: literature only. Allele origin: germline. Not counted in ClinVar's aggregate classification.

Literature cited by the submitters: PubMed 11017079 (cited by 4 submitters); PubMed 25794858 (cited by Athena Diagnostics).